The following is an entry in ClinVar:

ClinVar aggregate classification (germline): Pathogenic (1 of 4 stars; one submission).

Submission:

Labcorp Genetics (formerly Invitae), Labcorp
Classification: Pathogenic. Last evaluated: 2022-04-09. Review status: criteria provided, single submitter. Criteria: Invitae Variant Classification Sherloc (09022015). Collection method: clinical testing. Allele origin: germline.
Comment: This sequence change creates a premature translational stop signal (p.Met61*) in the HPS1 gene. It is expected to result in an absent or disrupted protein product. Loss-of-function variants in HPS1 are known to be pathogenic (PMID: 12442288, 16185271). This variant is not present in population databases (gnomAD no frequency). This variant has not been reported in the literature in individuals affected with HPS1-related conditions. For these reasons, this variant has been classified as Pathogenic.

Literature cited by the submitters: PubMed 12442288; PubMed 16185271.

NM_000195.5(HPS1):c.175_179dup (p.Thr60_Met61insTer)

Gene: HPS1 (HPS1 biogenesis of lysosomal organelles complex 3 subunit 1; minus strand). Cytogenetic location: 10q24.2.
Variant type: Duplication.
Coding change: c.175_179dup on transcript NM_000195.5 (MANE Select); coding-DNA positions 175 to 179, 5 bases duplicated (ATGAC; older notation c.175_179dupATGAC).
Protein change: p.Thr60_Met61insTer.
Molecular consequence: nonsense, inframe insertion. On other transcripts: 5 prime UTR variant (6).
Genome position (GRCh38, 1-based): chr10:98,435,711-98,435,715, GTCAT duplicated on the plus strand (ATGAC on the coding strand, the reverse complement: HPS1 is on the minus strand); duplicating any 5 consecutive bases within chr10:98,435,711-98,435,716 gives the same sequence; the c. name uses the placement nearest the transcript's 3' end. VCF-style (leftmost placement, unchanged base first): chr10-98435710-C-CGTCAT. GRCh37 (hg19) VCF-style: chr10-100195467-C-CGTCAT.
Other names: c.-742_-738dup (NM_001311345.2); c.175_179dup, p.Thr60_Met61insTer (NM_001322476.2, NM_001322477.2, NM_001322478.2 and 8 more transcripts); c.-52_-48dup (NM_001322483.2, NM_001322484.2, NM_001322485.2); c.-841_-837dup (NM_001322487.2); c.-599_-595dup (NM_001322489.2).
Identifiers: ClinVar variation 2123792 (VCV002123792.4), dbSNP rs2538994374, ClinGen allele CA2580082542.